The following is an entry in ClinVar:

ClinVar aggregate classification (germline): Pathogenic (1 of 4 stars; one submission).

Submission:

Labcorp Genetics (formerly Invitae), Labcorp
Classification: Pathogenic. Last evaluated: 2023-12-11. Review status: criteria provided, single submitter. Criteria: Invitae Variant Classification Sherloc (09022015). Collection method: clinical testing. Allele origin: germline.
Comment: This sequence change creates a premature translational stop signal (p.Glu45Glyfs*46) in the NPHS1 gene. It is expected to result in an absent or disrupted protein product. Loss-of-function variants in NPHS1 are known to be pathogenic (PMID: 11317351, 11854170, 12039988). This variant is not present in population databases (gnomAD no frequency). This variant has not been reported in the literature in individuals affected with NPHS1-related conditions. Algorithms developed to predict the effect of sequence changes on RNA splicing suggest that this variant may disrupt the consensus splice site. For these reasons, this variant has been classified as Pathogenic.

Literature cited by the submitters: PubMed 11317351; PubMed 11854170; PubMed 12039988.

NM_004646.4(NPHS1):c.134_135del (p.Glu45fs)

Genes: KIRREL2 (kirre like nephrin family adhesion molecule 2; plus strand), NPHS1 (NPHS1 adhesion molecule, nephrin; minus strand). Cytogenetic location: 19q13.12.
Variant type: Deletion.
Coding change: c.134_135del on transcript NM_004646.4 (MANE Select); coding-DNA positions 134 to 135, 2 bases deleted (AG; older notation c.134_135delAG).
Protein change: p.Glu45fs; shifts the reading frame from glutamic acid 45.
Molecular consequence: frameshift variant.
Genome position (GRCh38, 1-based): chr19:35,851,596-35,851,597, CT deleted on the plus strand (AG on the coding strand, the reverse complement: NPHS1 is on the minus strand); deleting any 2 consecutive bases within chr19:35,851,596-35,851,598 gives the same sequence; the c. name uses the placement nearest the transcript's 3' end. VCF-style (leftmost placement, unchanged base first): chr19-35851595-CCT-C. GRCh37 (hg19) VCF-style: chr19-36342497-CCT-C.
Other names: short protein forms E45fs.
Identifiers: ClinVar variation 2702250 (VCV002702250.3), dbSNP rs2513786157, ClinGen allele CA2697556485.